The following is an entry in ClinVar:

ClinVar aggregate classification (germline): Uncertain significance (1 of 4 stars; one submission).

gnomAD v4.1: 8 of 1,372,056 alleles (0.00058%); highest among the groups gnomAD compares: Middle Eastern, 0.019%; no homozygotes.

Submission:

GeneDx
Classification: Uncertain significance. Last evaluated: 2021-05-19. Review status: criteria provided, single submitter. Criteria: GeneDx Variant Classification Process June 2021. Collection method: clinical testing. Allele origin: germline. Affected: yes.
Comment: In-silico analysis, which includes splice predictors and evolutionary conservation, is inconclusive as to whether the variant alters gene splicing. In the absence of RNA/functional studies, the actual effect of this sequence change is unknown.; Has not been previously published as pathogenic or benign to our knowledge; Not observed in large population cohorts (Lek et al., 2016)

NM_002397.5(MEF2C):c.965-11C>A

Gene: MEF2C (myocyte enhancer factor 2C; minus strand). Cytogenetic location: 5q14.3.
Variant type: single nucleotide variant.
Coding change: c.965-11C>A on transcript NM_002397.5 (MANE Select); 11 bases into the intron before coding-DNA position 965, C replaced by A.
Molecular consequence: intron variant.
Genome position (GRCh38, 1-based): chr5:88,728,639, G>T on the plus strand (C>A on the coding strand, the complement: MEF2C is on the minus strand). VCF-style: chr5-88728639-G-T. GRCh37 (hg19) VCF-style: chr5-88024456-G-T.
Other names: c.965-11C>A (NM_001364329.2, NM_001364330.2, NM_001193350.2 and 9 more transcripts); c.941-11C>A (NM_001364333.2, NM_001308002.3, NM_001364349.2 and 6 more transcripts); c.821-11C>A (NM_001364344.2, NM_001364354.2, NM_001364332.2 and 2 more transcripts); c.587-11C>A (NM_001364353.2, NM_001364356.2); c.935-11C>A (NM_001131005.2, NM_001364352.2, NM_001364343.2); c.995-11C>A (NM_001193347.1, NM_001364338.2); c.797-11C>A (NM_001193348.1); c.515-11C>A (NM_001364357.2).
Identifiers: ClinVar variation 1189598 (VCV001189598.2), dbSNP rs1043608782, ClinGen allele CA122608614.